The following is an entry in ClinVar:

NM_000784.4(CYP27A1):c.68dup (p.His23fs)

Gene: CYP27A1 (cytochrome P450 family 27 subfamily A member 1; plus strand). Cytogenetic location: 2q35.
Variant type: Duplication.
Coding change: c.68dup on transcript NM_000784.4 (MANE Select); coding-DNA position 68, one base duplicated (A; older notation c.68dupA).
Protein change: p.His23fs; shifts the reading frame from histidine 23.
Molecular consequence: frameshift variant.
Genome position (GRCh38, 1-based): chr2:218,782,250, A duplicated. VCF-style (leftmost placement, unchanged base first): chr2-218782249-C-CA. GRCh37 (hg19) VCF-style: chr2-219646972-C-CA.
Other names: short protein forms H23fs.
Identifiers: ClinVar variation 5003533 (VCV005003533.1).

ClinVar aggregate classification (germline): Pathogenic (1 of 4 stars; one submission).

Conditions:
Cholestanol storage disease (CTX). Also called: CEREBRAL CHOLESTERINOSIS; CTX: Cerebrotendinous xanthomatosis; Cerebrotendinous Xanthomatosis. Identifiers: Orphanet 909, MedGen C0238052, MONDO:0008948, OMIM 213700.

Submission:

Myriad Genetics, Inc.
Classification: Pathogenic for Cholestanol storage disease. Last evaluated: 2025-08-18. Review status: criteria provided, single submitter. Criteria: Myriad Autosomal Dominant, Autosomal Recessive and X-Linked Classification Criteria (2023). Collection method: clinical testing. Allele origin: unknown.
Comment: NM_000784.3(CYP27A1):c.68dupA(H23Qfs*158) is a frameshift variant classified as pathogenic in the context of cerebrotendinous xanthomatosis. H23Qfs*158 has not been observed in cases with relevant disease. Relevant functional assessments of this variant are not available in the literature. H23Qfs*158 has not been observed in referenced population frequency databases. In summary, NM_000784.3(CYP27A1):c.68dupA(H23Qfs*158) is a frameshift variant in a gene where loss of function is a known mechanism of disease and is predicted to disrupt protein function. Please note: this variant was assessed in the context of healthy population screening.